The following is an entry in ClinVar:

NM_003072.5(SMARCA4):c.2956G>A (p.Ala986Thr)

Gene: SMARCA4 (SWI/SNF related BAF chromatin remodeling complex subunit ATPase 4; plus strand). Cytogenetic location: 19p13.2.
Variant type: single nucleotide variant.
Coding change: c.2956G>A on transcript NM_003072.5 (MANE Select); coding-DNA position 2956, G replaced by A.
Protein change: p.Ala986Thr; replaces alanine 986 with threonine.
Molecular consequence: missense variant. On other transcripts: non-coding transcript variant (1).
Genome position (GRCh38, 1-based): chr19:11,023,614, G>A. VCF-style: chr19-11023614-G-A. GRCh37 (hg19) VCF-style: chr19-11134290-G-A.
Other names: c.2956G>A, p.Ala986Thr (NM_001128844.3, NM_001128845.2, NM_001128846.2 and 5 more transcripts); short protein forms A986T.
Identifiers: ClinVar variation 480646 (VCV000480646.17), dbSNP rs1555779631, ClinGen allele CA404057669.

ClinVar aggregate classification (germline): Uncertain significance. Review status: criteria provided, multiple submitters, no conflicts (2 of 4 stars). 3 submissions from 3 submitters: Uncertain significance (3). Last evaluated 2021-07-15.

Conditions:
Hereditary cancer-predisposing syndrome. Also called: Hereditary Cancer Syndrome; Neoplastic Syndromes, Hereditary; Tumor predisposition; Hereditary neoplastic syndrome. Identifiers: Orphanet 140162, MedGen C0027672, MeSH D009386, MONDO:0015356.
Rhabdoid tumor predisposition syndrome 2 (RTPS2). Identifiers: Orphanet 231108, Orphanet 69077, MedGen C2750074, MONDO:0013224, OMIM 613325.
Intellectual disability, autosomal dominant 16 (CSS4). Also called: COFFIN-SIRIS SYNDROME 4. Identifiers: Orphanet 1465, MedGen C3553249, MONDO:0013821, OMIM 614609.

Submissions (3):

Genome-Nilou Lab
Classification: Uncertain significance for Intellectual disability, autosomal dominant 16. Last evaluated: 2021-07-15. Review status: criteria provided, single submitter. Criteria: ACMG Guidelines, 2015. Collection method: clinical testing. Allele origin: germline. Affected: no.

Labcorp Genetics (formerly Invitae), Labcorp
Classification: Uncertain significance for Rhabdoid tumor predisposition syndrome 2. Last evaluated: 2019-11-25. Review status: criteria provided, single submitter. Criteria: Invitae Variant Classification Sherloc (09022015). Collection method: clinical testing. Allele origin: germline.
Comment: In summary, the available evidence is currently insufficient to determine the role of this variant in disease. Therefore, it has been classified as a Variant of Uncertain Significance. This variant has not been reported in the literature in individuals with SMARCA4-related conditions. ClinVar contains an entry for this variant (Variation ID: 480646). This variant is not present in population databases (ExAC no frequency). This sequence change replaces alanine with threonine at codon 986 of the SMARCA4 protein (p.Ala986Thr). The alanine residue is highly conserved and there is a small physicochemical difference between alanine and threonine. Algorithms developed to predict the effect of missense changes on protein structure and function are either unavailable or do not agree on the potential impact of this missense change (SIFT: "Deleterious"; PolyPhen-2: "Benign"; Align-GVGD: "Class C0").

Ambry Genetics
Classification: Uncertain significance for Hereditary cancer-predisposing syndrome. Last evaluated: 2016-08-11. Review status: criteria provided, single submitter. Criteria: Ambry Variant Classification Scheme 2023. Collection method: clinical testing. Allele origin: germline.
Comment: The p.A986T variant (also known as c.2956G>A), located in coding exon 19 of the SMARCA4 gene, results from a G to A substitution at nucleotide position 2956. The alanine at codon 986 is replaced by threonine, an amino acid with similar properties. This variant was not reported in population based cohorts in the following databases: Database of Single Nucleotide Polymorphisms (dbSNP), NHLBI Exome Sequencing Project (ESP), and 1000 Genomes Project. In the ESP, this variant was not observed in 6502 samples (13004 alleles) with coverage at this position. To date, this alteration has been detected with an allele frequency of approximately 0.001% (greater than 100000 alleles tested) in our clinical cohort. This amino acid position is highly conserved in available vertebrate species. In addition, the in silico prediction for this alteration is inconclusive. Since supporting evidence is limited at this time, the clinical significance of this alteration remains unclear.